The following is an entry in ClinVar:

NM_001142800.2(EYS):c.5723C>A (p.Ser1908Tyr)

Gene: EYS (eyes shut homolog; minus strand). Cytogenetic location: 6q12.
Variant type: single nucleotide variant.
Coding change: c.5723C>A on transcript NM_001142800.2 (MANE Select); coding-DNA position 5723, C replaced by A.
Protein change: p.Ser1908Tyr; replaces serine 1908 with tyrosine.
Molecular consequence: missense variant.
Genome position (GRCh38, 1-based): chr6:64,439,274, G>T on the plus strand (C>A on the coding strand, the complement: EYS is on the minus strand). VCF-style: chr6-64439274-G-T. GRCh37 (hg19) VCF-style: chr6-65149167-G-T.
Other names: c.5723C>A, p.Ser1908Tyr (NM_001292009.2); short protein forms S1908Y.
Identifiers: ClinVar variation 1416104 (VCV001416104.5), dbSNP rs2150466427, ClinGen allele CA364392749.

ClinVar aggregate classification (germline): Uncertain significance (1 of 4 stars; one submission).

gnomAD v4.1: 2 of 1,518,418 alleles (0.00013%); highest among the groups gnomAD compares: Non-Finnish European, 0.00018%; no homozygotes.

Submission:

Labcorp Genetics (formerly Invitae), Labcorp
Classification: Uncertain significance. Last evaluated: 2021-09-24. Review status: criteria provided, single submitter. Criteria: Invitae Variant Classification Sherloc (09022015). Collection method: clinical testing. Allele origin: germline.
Comment: This sequence change replaces serine with tyrosine at codon 1908 of the EYS protein (p.Ser1908Tyr). The serine residue is moderately conserved and there is a large physicochemical difference between serine and tyrosine. This variant is not present in population databases (ExAC no frequency). This variant has not been reported in the literature in individuals with EYS-related conditions. Algorithms developed to predict the effect of missense changes on protein structure and function are either unavailable or do not agree on the potential impact of this missense change (SIFT: "Deleterious"; PolyPhen-2: "Benign"; Align-GVGD: "Class C0"). In summary, the available evidence is currently insufficient to determine the role of this variant in disease. Therefore, it has been classified as a Variant of Uncertain Significance.